The following is an entry in ClinVar:

ClinVar aggregate classification (germline): Benign/Likely benign. Review status: criteria provided, multiple submitters, no conflicts (2 of 4 stars). 4 submissions from 4 submitters: Benign (1); Likely benign (2). 1 of the submissions does not count toward it. Last evaluated 2026-01-08.

Conditions:
Familial sleep-related hypermotor epilepsy. Also called: Autosomal Dominant Sleep-Related Hypermotor (Hyperkinetic) Epilepsy. Identifiers: Orphanet 98784, MedGen C3696898, MONDO:0000030.
CHRNA2-related disorder. Also called: CHRNA2-related condition.

Allele frequency attached by ClinVar (database versions not stated): gnomAD 0.00001 and 0.00005; TOPMed 0.00002.
gnomAD v4.1: 205 of 1,610,348 alleles (0.013%); highest among the groups gnomAD compares: South Asian, 0.21%; 5 homozygotes.

Submissions (4):

Labcorp Genetics (formerly Invitae), Labcorp
Classification: Likely benign. Last evaluated: 2026-01-08. Review status: criteria provided, single submitter. Criteria: Invitae Variant Classification Sherloc (09022015). Collection method: clinical testing. Allele origin: germline.

Blueprint Genetics
Classification: Likely benign. Last evaluated: 2024-07-08. Review status: criteria provided, single submitter. Criteria: ACMG Guidelines, 2015. Collection method: clinical testing. Allele origin: germline.

GeneDx
Classification: Benign. Last evaluated: 2020-12-21. Review status: criteria provided, single submitter. Criteria: GeneDx Variant Classification Process June 2021. Collection method: clinical testing. Allele origin: germline. Affected: yes.

PreventionGenetics, part of Exact Sciences
Classification: Likely benign for CHRNA2-related condition. Last evaluated: 2019-07-01. Review status: no assertion criteria provided. Collection method: clinical testing. Allele origin: germline. Not counted in ClinVar's aggregate classification.
Comment: This variant is classified as likely benign based on ACMG/AMP sequence variant interpretation guidelines (Richards et al. 2015 PMID: 25741868, with internal and published modifications).

NM_000742.4(CHRNA2):c.347G>T (p.Ser116Ile)

Gene: CHRNA2 (cholinergic receptor nicotinic alpha 2 subunit; minus strand). Cytogenetic location: 8p21.2.
Variant type: single nucleotide variant.
Coding change: c.347G>T on transcript NM_000742.4 (MANE Select); coding-DNA position 347, G replaced by T.
Protein change: p.Ser116Ile; replaces serine 116 with isoleucine.
Molecular consequence: missense variant. On other transcripts: 5 prime UTR variant (4).
Genome position (GRCh38, 1-based): chr8:27,467,331, C>A on the plus strand (G>T on the coding strand, the complement: CHRNA2 is on the minus strand). VCF-style: chr8-27467331-C-A. GRCh37 (hg19) VCF-style: chr8-27324848-C-A.
Other names: p.S116I:AGC>ATC; c.302G>T, p.Ser101Ile (NM_001282455.2); c.-126G>T (NM_001347705.2, NM_001347706.2); c.-112G>T (NM_001347707.2); c.-115G>T (NM_001347708.2); short protein forms S116I, S101I.
Identifiers: ClinVar variation 204945 (VCV000204945.13), dbSNP rs541282922, ClinGen allele CA313413.